The following is an entry in ClinVar:

ClinVar aggregate classification (germline): Benign/Likely benign. Review status: criteria provided, multiple submitters, no conflicts (2 of 4 stars). 9 submissions from 6 submitters: Benign (6); Likely benign (3). Last evaluated 2026-04-01.

Conditions:
TTN-related disorder. Also called: TTN-related disorders; TTN-related condition; TTN-related disease.
Early-onset myopathy with fatal cardiomyopathy (CMYO5). Also called: Salih Myopathy; CONGENITAL MYOPATHY 5 WITH CARDIOMYOPATHY. Identifiers: Orphanet 289377, MedGen C2673677, MONDO:0012714, OMIM 611705. Disease mechanism: loss of function.
Cardiovascular phenotype. Identifiers: MedGen CN230736.
Myopathy, myofibrillar, 9, with early respiratory failure (MFM9). Also called: EDSTROM MYOPATHY; MYOPATHY, PROXIMAL, WITH EARLY RESPIRATORY MUSCLE INVOLVEMENT; Myopathy, distal, with early respiratory failure, autosomal dominant; Hereditary myopathy with early respiratory failure. Identifiers: Orphanet 178464, Orphanet 34521, MedGen C1863599, MONDO:0011362, OMIM 603689.
Autosomal recessive limb-girdle muscular dystrophy type 2J (LGMDR10). Also called: Limb-girdle muscular dystrophy, type 2J; MUSCULAR DYSTROPHY, LIMB-GIRDLE, AUTOSOMAL RECESSIVE 10. Identifiers: Orphanet 140922, MedGen C1837342, MONDO:0012127, OMIM 608807.
Tibial muscular dystrophy (TMD). Also called: UDD MYOPATHY; Tibial muscular dystrophy, tardive; Udd Distal Myopathy – Tibial Muscular Dystrophy. Identifiers: Orphanet 609, MedGen C1838244, MONDO:0010870, OMIM 600334.
Dilated cardiomyopathy 1G (CMD1G). Identifiers: Orphanet 154, MedGen C1858763, MONDO:0011400, OMIM 604145.

Allele frequency attached by ClinVar (database versions not stated): gnomAD 0.00006 and 0.00007; gnomAD exomes 0.00007 and 0.00030; TOPMed 0.00011; ExAC 0.00025.
gnomAD v4.1: 107 of 1,613,846 alleles (0.0066%); highest among the groups gnomAD compares: Admixed American, 0.13%; no homozygotes.

Submissions (9):

CeGaT Center for Human Genetics Tuebingen
Classification: Likely benign. Last evaluated: 2026-04-01. Review status: criteria provided, single submitter. Criteria: CeGaT Center For Human Genetics Tuebingen Variant Classification Criteria Version 2. Collection method: clinical testing. Allele origin: germline. Affected: yes. Observed: 2 variant alleles.
Comment: TTN: BP4, BP7

Labcorp Genetics (formerly Invitae), Labcorp
Classification: Benign for Dilated cardiomyopathy 1G; Autosomal recessive limb-girdle muscular dystrophy type 2J. Last evaluated: 2026-02-02. Review status: criteria provided, single submitter. Criteria: Invitae Variant Classification Sherloc (09022015). Collection method: clinical testing. Allele origin: germline.

PreventionGenetics, part of Exact Sciences
Classification: Likely benign for TTN-related condition. Last evaluated: 2025-01-14. Review status: criteria provided, single submitter. Criteria: ACMG Guidelines, 2015. Collection method: clinical testing. Allele origin: germline.
Comment: This variant is classified as likely benign based on ACMG/AMP sequence variant interpretation guidelines (Richards et al. 2015 PMID: 25741868, with internal and published modifications).

Genome-Nilou Lab
Classification: Benign for Autosomal recessive limb-girdle muscular dystrophy type 2J. Last evaluated: 2021-09-10. Review status: criteria provided, single submitter. Criteria: ACMG Guidelines, 2015. Collection method: clinical testing. Allele origin: germline. Affected: no.

Genome-Nilou Lab
Classification: Benign for Myopathy, myofibrillar, 9, with early respiratory failure. Last evaluated: 2021-09-10. Review status: criteria provided, single submitter. Criteria: ACMG Guidelines, 2015. Collection method: clinical testing. Allele origin: germline. Affected: no.

Genome-Nilou Lab
Classification: Benign for Early-onset myopathy with fatal cardiomyopathy. Last evaluated: 2021-09-10. Review status: criteria provided, single submitter. Criteria: ACMG Guidelines, 2015. Collection method: clinical testing. Allele origin: germline. Affected: no.

Genome-Nilou Lab
Classification: Benign for Tibial muscular dystrophy. Last evaluated: 2021-09-10. Review status: criteria provided, single submitter. Criteria: ACMG Guidelines, 2015. Collection method: clinical testing. Allele origin: germline. Affected: no.

Ambry Genetics
Classification: Benign for Cardiovascular phenotype. Last evaluated: 2021-06-05. Review status: criteria provided, single submitter. Criteria: Ambry Variant Classification Scheme 2023. Collection method: clinical testing. Allele origin: germline.

GeneDx
Classification: Likely benign. Last evaluated: 2019-10-17. Review status: criteria provided, single submitter. Criteria: GeneDx Variant Classification Process June 2021. Collection method: clinical testing. Allele origin: germline. Affected: yes.

NM_001267550.2(TTN):c.104205G>A (p.Thr34735=)

Genes: TTN (titin; minus strand), TTN-AS1 (TTN antisense RNA 1; plus strand). Cytogenetic location: 2q31.2.
Variant type: single nucleotide variant.
Coding change: c.104205G>A on transcript NM_001267550.2 (MANE Select); coding-DNA position 104205, G replaced by A.
Protein change: p.Thr34735=; no amino-acid change (threonine 34735 retained).
Molecular consequence: synonymous variant.
Genome position (GRCh38, 1-based): chr2:178,532,410, C>T on the plus strand (G>A on the coding strand, the complement: TTN is on the minus strand). VCF-style: chr2-178532410-C-T. GRCh37 (hg19) VCF-style: chr2-179397137-C-T.
Other names: c.99282G>A, p.Thr33094= (NM_001256850.1); c.77010G>A, p.Thr25670= (NM_003319.4); c.96501G>A, p.Thr32167= (NM_133378.4); c.77385G>A, p.Thr25795= (NM_133432.3); c.77586G>A, p.Thr25862= (NM_133437.4).
Identifiers: ClinVar variation 535485 (VCV000535485.26), dbSNP rs752424146, ClinGen allele CA1985464.
Genomic context (GRCh38, chr2:178,532,410, plus strand): 5'-GTACGCAGCCTGGGCATGCCGTTCCCTCAGTTCTGCATAACTTGTACTAGCTTCAGCCTT[C>T]GTTGGGATGTGATAGGTTGAATACCTGAAGTCTTTTCTTGTTTCCTCCACCTTGACATGA-3'
Protein context (NP_001254479.2, residues 34725-34745): DFRYSTYHIP[Thr34735=]KAEASTSYAE